The following is an entry in ClinVar:

ClinVar aggregate classification (germline): Uncertain significance. Review status: criteria provided, multiple submitters, no conflicts (2 of 4 stars). 2 submissions from 2 submitters: Uncertain significance (2). Last evaluated 2023-11-27.

Conditions:
Developmental and epileptic encephalopathy, 1 (DEE1). Also called: OHTAHARA SYNDROME, X-LINKED; INFANTILE SPASM SYNDROME, X-LINKED 1; X-linked infantile spasms; West's syndrome; Tonic spasms with clustering, arrest of psychomotor development and hypsarrhythmia on EEG; X-Linked Infantile Spasm Syndrome. Identifiers: MedGen C3463992, MONDO:0010632, OMIM 308350. Disease mechanism: loss of function.
Autosomal recessive spinocerebellar ataxia 12. Also called: SPINOCEREBELLAR ATAXIA WITH MENTAL RETARDATION AND EPILEPSY. Identifiers: Orphanet 284282, MedGen C3280452, MONDO:0013687, OMIM 614322.

Allele frequency attached by ClinVar (database versions not stated): ExAC 0.00001; gnomAD 0.00001; gnomAD exomes 0.00001; TOPMed 0.00001; ESP Exome Variant Server 0.00008.
gnomAD v4.1: 13 of 1,613,932 alleles (0.00081%); highest among the groups gnomAD compares: Admixed American, 0.0017%; no homozygotes.

Submissions (2):

Labcorp Genetics (formerly Invitae), Labcorp
Classification: Uncertain significance for Developmental and epileptic encephalopathy, 1; Autosomal recessive spinocerebellar ataxia 12. Last evaluated: 2023-11-27. Review status: criteria provided, single submitter. Criteria: Invitae Variant Classification Sherloc (09022015). Collection method: clinical testing. Allele origin: germline.
Comment: This sequence change replaces alanine, which is neutral and non-polar, with threonine, which is neutral and polar, at codon 211 of the WWOX protein (p.Ala211Thr). This variant is present in population databases (rs370737224, gnomAD 0.007%). This variant has not been reported in the literature in individuals affected with WWOX-related conditions. ClinVar contains an entry for this variant (Variation ID: 1012408). Advanced modeling of protein sequence and biophysical properties (such as structural, functional, and spatial information, amino acid conservation, physicochemical variation, residue mobility, and thermodynamic stability) performed at Invitae indicates that this missense variant is expected to disrupt WWOX protein function with a positive predictive value of 80%. In summary, the available evidence is currently insufficient to determine the role of this variant in disease. Therefore, it has been classified as a Variant of Uncertain Significance.

CeGaT Center for Human Genetics Tuebingen
Classification: Uncertain significance. Last evaluated: 2020-09-01. Review status: criteria provided, single submitter. Criteria: CeGaT Center For Human Genetics Tuebingen Variant Classification Criteria Version 2. Collection method: clinical testing. Allele origin: germline. Affected: yes. Observed: 1 variant allele.

NM_016373.4(WWOX):c.631G>A (p.Ala211Thr)

Gene: WWOX (WW domain containing oxidoreductase; plus strand). Cytogenetic location: 16q23.1.
Variant type: single nucleotide variant.
Coding change: c.631G>A on transcript NM_016373.4 (MANE Select); coding-DNA position 631, G replaced by A.
Protein change: p.Ala211Thr; replaces alanine 211 with threonine.
Molecular consequence: missense variant.
Genome position (GRCh38, 1-based): chr16:78,424,895, G>A. VCF-style: chr16-78424895-G-A. GRCh37 (hg19) VCF-style: chr16-78458792-G-A.
Other names: c.292G>A, p.Ala98Thr (NM_001291997.2); short protein forms A211T, A98T.
Identifiers: ClinVar variation 1012408 (VCV001012408.41), dbSNP rs370737224, ClinGen allele CA8183396.